The following is an entry in ClinVar:

NM_006267.5(RANBP2):c.3129C>G (p.Asp1043Glu)

Gene: RANBP2 (RAN binding protein 2; plus strand). Cytogenetic location: 2q13.
Variant type: single nucleotide variant.
Coding change: c.3129C>G on transcript NM_006267.5 (MANE Select); coding-DNA position 3129, C replaced by G.
Protein change: p.Asp1043Glu; replaces aspartic acid 1043 with glutamic acid.
Molecular consequence: missense variant.
Genome position (GRCh38, 1-based): chr2:108,763,668, C>G. VCF-style: chr2-108763668-C-G. GRCh37 (hg19) VCF-style: chr2-109380124-C-G.
Other names: short protein forms D1043E.
Identifiers: ClinVar variation 569159 (VCV000569159.11), dbSNP rs201783367, ClinGen allele CA1822877.
Genomic context (GRCh38, chr2:108,763,668, plus strand): 5'-ACACACAACACAGCCAACTCCTTTTAAATTTAACTCAAATTTCAAATCAAATGATGGTGA[C>G]TTCACGTTTTCCTCACCACAGGTTGTGACACAGCCCCCTCCTGCAGCTTACAGTAACAGT-3'
Protein context (NP_006258.3, residues 1033-1053): FNSNFKSNDG[Asp1043Glu]FTFSSPQVVT

ClinVar aggregate classification (germline): Uncertain significance. Review status: criteria provided, multiple submitters, no conflicts (2 of 4 stars). 2 submissions from 2 submitters: Uncertain significance (2). Last evaluated 2024-11-13.

Conditions:
Familial acute necrotizing encephalopathy (IIAE3). Also called: ENCEPHALOPATHY, ACUTE, INFECTION-INDUCED, SUSCEPTIBILITY TO, 3; Susceptibility to Acute Necrotizing Encephalopathy 1. Identifiers: Orphanet 88619, MedGen C2675556, MONDO:0011953, OMIM 608033.

Allele frequency attached by ClinVar (database versions not stated): ExAC 0.00002; gnomAD exomes 0.00002; TOPMed 0.00006; gnomAD 0.00011 and 0.00013.
gnomAD v4.1: 20 of 1,613,978 alleles (0.0012%); highest among the groups gnomAD compares: African/African-American, 0.027%; no homozygotes.

Submissions (2):

Ambry Genetics
Classification: Uncertain significance. Last evaluated: 2024-11-13. Review status: criteria provided, single submitter. Criteria: Ambry Variant Classification Scheme 2023. Collection method: clinical testing. Allele origin: germline.

Labcorp Genetics (formerly Invitae), Labcorp
Classification: Uncertain significance for Familial acute necrotizing encephalopathy. Last evaluated: 2018-06-12. Review status: criteria provided, single submitter. Criteria: Invitae Variant Classification Sherloc (09022015). Collection method: clinical testing. Allele origin: germline.
Comment: In summary, the available evidence is currently insufficient to determine the role of this variant in disease. Therefore, it has been classified as a Variant of Uncertain Significance. Algorithms developed to predict the effect of sequence changes on RNA splicing suggest that this variant may create or strengthen a splice site, but this prediction has not been confirmed by published transcriptional studies. Algorithms developed to predict the effect of missense changes on protein structure and function are either unavailable or do not agree on the potential impact of this missense change (SIFT: "Deleterious"; PolyPhen-2: "Benign"; Align-GVGD: "Class C35"). This variant has not been reported in the literature in individuals with RANBP2-related disease. This variant is present in population databases (rs201783367, ExAC 0.02%). This sequence change replaces aspartic acid with glutamic acid at codon 1043 of the RANBP2 protein (p.Asp1043Glu). The aspartic acid residue is highly conserved and there is a small physicochemical difference between aspartic acid and glutamic acid.